The following is an entry in ClinVar:

ClinVar aggregate classification (germline): Uncertain significance (1 of 4 stars; one submission).

Conditions:
Episodic kinesigenic dyskinesia (EKD). Also called: Paroxysmal kinesigenic dyskinesia. Identifiers: Orphanet 98809, MedGen C1868682, MONDO:0044202.

Submission:

Labcorp Genetics (formerly Invitae), Labcorp
Classification: Uncertain significance for Episodic kinesigenic dyskinesia. Last evaluated: 2020-10-01. Review status: criteria provided, single submitter. Criteria: Invitae Variant Classification Sherloc (09022015). Collection method: clinical testing. Allele origin: germline.
Comment: This sequence change replaces isoleucine with serine at codon 170 of the PRRT2 protein (p.Ile170Ser). The isoleucine residue is weakly conserved and there is a large physicochemical difference between isoleucine and serine. In summary, the available evidence is currently insufficient to determine the role of this variant in disease. Therefore, it has been classified as a Variant of Uncertain Significance. Algorithms developed to predict the effect of missense changes on protein structure and function are either unavailable or do not agree on the potential impact of this missense change (SIFT: "Deleterious"; PolyPhen-2: "Benign"; Align-GVGD: "Class C0"). This variant has not been reported in the literature in individuals with PRRT2-related conditions. This variant is not present in population databases (ExAC no frequency).

NM_145239.3(PRRT2):c.509T>G (p.Ile170Ser)

Genes: MVP-DT (MVP divergent transcript; minus strand), PRRT2 (proline rich transmembrane protein 2; plus strand). Cytogenetic location: 16p11.2.
Variant type: single nucleotide variant.
Coding change: c.509T>G on transcript NM_145239.3 (MANE Select); coding-DNA position 509, T replaced by G.
Protein change: p.Ile170Ser; replaces isoleucine 170 with serine.
Molecular consequence: missense variant.
Genome position (GRCh38, 1-based): chr16:29,813,563, T>G. VCF-style: chr16-29813563-T-G. GRCh37 (hg19) VCF-style: chr16-29824884-T-G.
Other names: c.509T>G, p.Ile170Ser (NM_001256442.2, NM_001256443.2); short protein forms I170S.
Identifiers: ClinVar variation 1018328 (VCV001018328.9), dbSNP rs1900089706, ClinGen allele CA395478850.